The following is an entry in ClinVar:

ClinVar aggregate classification (germline): Uncertain significance. Review status: criteria provided, multiple submitters, no conflicts (2 of 4 stars). 2 submissions from 2 submitters: Uncertain significance (2). Last evaluated 2024-07-29.

Conditions:
Singleton-Merten syndrome 1 (SGMRT1). Also called: Widened medullary cavities of bone, aortic calcification, abnormal dentition, and muscular weakness; Syndrome of widened medullary cavities of the metacarpals and phalanges, aortic calcification and abnormal dentition. Identifiers: Orphanet 85191, MedGen C4225427, MONDO:0024535, OMIM 182250.
Aicardi-Goutieres syndrome 7 (AGS7). Identifiers: Orphanet 51, MedGen C3888244, MONDO:0014367, OMIM 615846.

Allele frequency attached by ClinVar (database versions not stated): gnomAD exomes 0.00001.
gnomAD v4.1: 3 of 1,614,190 alleles (0.00019%); highest among the groups gnomAD compares: Non-Finnish European, 0.00025%; no homozygotes.

Submissions (2):

Labcorp Genetics (formerly Invitae), Labcorp
Classification: Uncertain significance for Aicardi-Goutieres syndrome 7; Singleton-Merten syndrome 1. Last evaluated: 2024-07-29. Review status: criteria provided, single submitter. Criteria: Invitae Variant Classification Sherloc (09022015). Collection method: clinical testing. Allele origin: germline.
Comment: This sequence change replaces isoleucine, which is neutral and non-polar, with methionine, which is neutral and non-polar, at codon 46 of the IFIH1 protein (p.Ile46Met). This variant is not present in population databases (gnomAD no frequency). This variant has not been reported in the literature in individuals affected with IFIH1-related conditions. Advanced modeling of protein sequence and biophysical properties (such as structural, functional, and spatial information, amino acid conservation, physicochemical variation, residue mobility, and thermodynamic stability) has been performed at Invitae for this missense variant, however the output from this modeling did not meet the statistical confidence thresholds required to predict the impact of this variant on IFIH1 protein function. In summary, the available evidence is currently insufficient to determine the role of this variant in disease. Therefore, it has been classified as a Variant of Uncertain Significance.

Blueprint Genetics
Classification: Uncertain significance. Last evaluated: 2024-07-17. Review status: criteria provided, single submitter. Criteria: ACMG Guidelines, 2015. Collection method: clinical testing. Allele origin: germline.

NM_022168.4(IFIH1):c.138T>G (p.Ile46Met)

Gene: IFIH1 (interferon induced with helicase C domain 1; minus strand). Cytogenetic location: 2q24.2.
Variant type: single nucleotide variant.
Coding change: c.138T>G on transcript NM_022168.4 (MANE Select); coding-DNA position 138, T replaced by G.
Protein change: p.Ile46Met; replaces isoleucine 46 with methionine.
Molecular consequence: missense variant.
Genome position (GRCh38, 1-based): chr2:162,318,170, A>C on the plus strand (T>G on the coding strand, the complement: IFIH1 is on the minus strand). VCF-style: chr2-162318170-A-C. GRCh37 (hg19) VCF-style: chr2-163174680-A-C.
Other names: short protein forms I46M.
Identifiers: ClinVar variation 2924612 (VCV002924612.4), dbSNP rs2469006284, ClinGen allele CA349014162.